The following is an entry in ClinVar:

NM_000426.4(LAMA2):c.8547+5_8547+6del

Gene: LAMA2 (laminin subunit alpha 2; plus strand). Cytogenetic location: 6q22.33.
Variant type: Deletion.
Coding change: c.8547+5_8547+6del on transcript NM_000426.4 (MANE Select); bases 5 to 6 of the intron after coding-DNA position 8547, 2 bases deleted (TA; older notation c.8547+5_8547+6delTA).
Molecular consequence: intron variant.
Genome position (GRCh38, 1-based): chr6:129,503,285-129,503,286, TA deleted; deleting any 2 consecutive bases within chr6:129,503,284-129,503,286 gives the same sequence; the c. name uses the placement nearest the transcript's 3' end. VCF-style (leftmost placement, unchanged base first): chr6-129503283-AAT-A. GRCh37 (hg19) VCF-style: chr6-129824428-AAT-A.
Other names: c.8535+5_8535+6del (NM_001079823.2).
Identifiers: ClinVar variation 4096113 (VCV004096113.1).
Genomic context (GRCh38, chr6:129,503,283, plus strand): 5'-GAGTGGGGACACCCACACCATGATCCCCACCAAAATCAATGATGGCCAGTGGCACAAGGT[AAT>A]AGTCCCCTGGATATTGGCAGTACCCTAAGGGAATTACTGAGTGGCAGCCATCAGCATTCT-3'

ClinVar aggregate classification (germline): Uncertain significance (1 of 4 stars; one submission).

Conditions:
Inborn genetic diseases. Identifiers: MedGen C0950123, MeSH D030342.

Submission:

Ambry Genetics
Classification: Uncertain significance for Inborn genetic diseases. Last evaluated: 2025-07-10. Review status: criteria provided, single submitter. Criteria: Ambry Variant Classification Scheme 2023. Collection method: clinical testing. Allele origin: germline.
Comment: The c.8547+5_8547+6delTA intronic variant begins 5 nucleotides after coding exon 60 in the LAMA2 gene. This variant results from a deletion of 2 nucleotides at positions c.8547+5 to c.8547+6. Based on insufficient or conflicting evidence, the clinical significance of this alteration remains unclear.